The following is an entry in ClinVar:

NM_198271.5(LMOD3):c.495G>C (p.Glu165Asp)

Gene: LMOD3 (leiomodin 3; minus strand). Cytogenetic location: 3p14.1.
Variant type: single nucleotide variant.
Coding change: c.495G>C on transcript NM_198271.5 (MANE Select); coding-DNA position 495, G replaced by C.
Protein change: p.Glu165Asp; replaces glutamic acid 165 with aspartic acid.
Molecular consequence: missense variant.
Genome position (GRCh38, 1-based): chr3:69,119,860, C>G on the plus strand (G>C on the coding strand, the complement: LMOD3 is on the minus strand). VCF-style: chr3-69119860-C-G. GRCh37 (hg19) VCF-style: chr3-69169011-C-G.
Other names: c.495G>C, p.Glu165Asp (NM_001304418.3); c.495G>C (NM_198271.3); short protein forms E165D.
Identifiers: ClinVar variation 1498837 (VCV001498837.8), dbSNP rs1488501537, ClinGen allele CA353476333.

ClinVar aggregate classification (germline): Uncertain significance. Review status: criteria provided, multiple submitters, no conflicts (2 of 4 stars). 2 submissions from 2 submitters: Uncertain significance (2). Last evaluated 2022-03-17.

Conditions:
Inborn genetic diseases. Identifiers: MedGen C0950123, MeSH D030342.
Nemaline myopathy 10 (NEM10). Identifiers: MedGen C4015360, MONDO:0014513, OMIM 616165.

Allele frequency attached by ClinVar (database versions not stated): gnomAD exomes below 0.00001 and 0.00001; TOPMed below 0.00001; gnomAD 0.00001.
gnomAD v4.1: 3 of 1,557,794 alleles (0.00019%); highest among the groups gnomAD compares: Admixed American, 0.0039%; no homozygotes.

Submissions (2):

Labcorp Genetics (formerly Invitae), Labcorp
Classification: Uncertain significance for Nemaline myopathy 10. Last evaluated: 2022-03-17. Review status: criteria provided, single submitter. Criteria: Invitae Variant Classification Sherloc (09022015). Collection method: clinical testing. Allele origin: germline.
Comment: The frequency data for this variant in the population databases is considered unreliable, as metrics indicate poor data quality at this position in the gnomAD database. In summary, the available evidence is currently insufficient to determine the role of this variant in disease. Therefore, it has been classified as a Variant of Uncertain Significance. Algorithms developed to predict the effect of missense changes on protein structure and function output the following: SIFT: "Tolerated"; PolyPhen-2: "Benign"; Align-GVGD: "Class C0". The aspartic acid amino acid residue is found in multiple mammalian species, which suggests that this missense change does not adversely affect protein function. This variant has not been reported in the literature in individuals affected with LMOD3-related conditions. This sequence change replaces glutamic acid, which is acidic and polar, with aspartic acid, which is acidic and polar, at codon 165 of the LMOD3 protein (p.Glu165Asp).

Ambry Genetics
Classification: Uncertain significance for Inborn genetic diseases. Last evaluated: 2021-10-22. Review status: criteria provided, single submitter. Criteria: Ambry Variant Classification Scheme 2023. Collection method: clinical testing. Allele origin: germline.